The following is an entry in ClinVar:

ClinVar aggregate classification (germline): Uncertain significance (1 of 4 stars; one submission).

Allele frequency attached by ClinVar (database versions not stated): ExAC 0.00001; gnomAD 0.00001; gnomAD exomes 0.00001; TOPMed 0.00003.
gnomAD v4.1: 23 of 1,613,968 alleles (0.0014%); highest among the groups gnomAD compares: Non-Finnish European, 0.0018%; no homozygotes.

Submission:

Labcorp Genetics (formerly Invitae), Labcorp
Classification: Uncertain significance. Last evaluated: 2024-10-08. Review status: criteria provided, single submitter. Criteria: Invitae Variant Classification Sherloc (09022015). Collection method: clinical testing. Allele origin: germline.
Comment: This sequence change replaces threonine, which is neutral and polar, with alanine, which is neutral and non-polar, at codon 618 of the CNGB3 protein (p.Thr618Ala). This variant is present in population databases (rs766409709, gnomAD 0.007%). This variant has not been reported in the literature in individuals affected with CNGB3-related conditions. ClinVar contains an entry for this variant (Variation ID: 1442383). Invitae Evidence Modeling of protein sequence and biophysical properties (such as structural, functional, and spatial information, amino acid conservation, physicochemical variation, residue mobility, and thermodynamic stability) indicates that this missense variant is not expected to disrupt CNGB3 protein function with a negative predictive value of 95%. In summary, the available evidence is currently insufficient to determine the role of this variant in disease. Therefore, it has been classified as a Variant of Uncertain Significance.

NM_019098.5(CNGB3):c.1852A>G (p.Thr618Ala)

Gene: CNGB3 (cyclic nucleotide gated channel subunit beta 3; minus strand). Cytogenetic location: 8q21.3.
Variant type: single nucleotide variant.
Coding change: c.1852A>G on transcript NM_019098.5 (MANE Select); coding-DNA position 1852, A replaced by G.
Protein change: p.Thr618Ala; replaces threonine 618 with alanine.
Molecular consequence: missense variant.
Genome position (GRCh38, 1-based): chr8:86,579,182, T>C on the plus strand (A>G on the coding strand, the complement: CNGB3 is on the minus strand). VCF-style: chr8-86579182-T-C. GRCh37 (hg19) VCF-style: chr8-87591410-T-C.
Other names: short protein forms T618A.
Identifiers: ClinVar variation 1442383 (VCV001442383.6), dbSNP rs766409709, ClinGen allele CA4799880.